The following is an entry in ClinVar:

ClinVar aggregate classification (germline): Uncertain significance (1 of 4 stars; one submission).

Submission:

Labcorp Genetics (formerly Invitae), Labcorp
Classification: Uncertain significance. Last evaluated: 2025-03-17. Review status: criteria provided, single submitter. Criteria: Invitae Variant Classification Sherloc (09022015). Collection method: clinical testing. Allele origin: germline.
Comment: This sequence change replaces methionine, which is neutral and non-polar, with leucine, which is neutral and non-polar, at codon 457 of the EMC1 protein (p.Met457Leu). This variant is not present in population databases (gnomAD no frequency). This variant has not been reported in the literature in individuals affected with EMC1-related conditions. ClinVar contains an entry for this variant (Variation ID: 2810810). Invitae Evidence Modeling of protein sequence and biophysical properties (such as structural, functional, and spatial information, amino acid conservation, physicochemical variation, residue mobility, and thermodynamic stability) indicates that this missense variant is not expected to disrupt EMC1 protein function with a negative predictive value of 80%. In summary, the available evidence is currently insufficient to determine the role of this variant in disease. Therefore, it has been classified as a Variant of Uncertain Significance.

NM_015047.3(EMC1):c.1369A>C (p.Met457Leu)

Genes: EMC1 (ER membrane protein complex subunit 1; minus strand), EMC1-AS1 (EMC1 antisense RNA 1; plus strand). Cytogenetic location: 1p36.13.
Variant type: single nucleotide variant.
Coding change: c.1369A>C on transcript NM_015047.3 (MANE Select); coding-DNA position 1369, A replaced by C.
Protein change: p.Met457Leu; replaces methionine 457 with leucine.
Molecular consequence: missense variant.
Genome position (GRCh38, 1-based): chr1:19,235,193, T>G on the plus strand (A>C on the coding strand, the complement: EMC1 is on the minus strand). VCF-style: chr1-19235193-T-G. GRCh37 (hg19) VCF-style: chr1-19561687-T-G.
Other names: c.1366A>C, p.Met456Leu (NM_001271427.2, NM_001271428.2, NM_001375821.1); c.1303A>C, p.Met435Leu (NM_001271429.2); c.1369A>C, p.Met457Leu (NM_001375820.1); short protein forms M457L, M456L, M435L.
Identifiers: ClinVar variation 2810810 (VCV002810810.3), dbSNP rs2536746697, ClinGen allele CA338764116.